The following is an entry in ClinVar:

NM_000093.5(COL5A1):c.92C>T (p.Pro31Leu)

Gene: COL5A1 (collagen type V alpha 1 chain; plus strand). Cytogenetic location: 9q34.3.
Variant type: single nucleotide variant.
Coding change: c.92C>T on transcript NM_000093.5 (MANE Select); coding-DNA position 92, C replaced by T.
Protein change: p.Pro31Leu; replaces proline 31 with leucine.
Molecular consequence: missense variant.
Genome position (GRCh38, 1-based): chr9:134,642,279, C>T. VCF-style: chr9-134642279-C-T. GRCh37 (hg19) VCF-style: chr9-137534125-C-T.
Other names: c.92C>T, p.Pro31Leu (NM_001278074.1); short protein forms P31L.
Identifiers: ClinVar variation 5034824 (VCV005034824.1).
Genomic context (GRCh38, chr9:134,642,279, plus strand): 5'-GCGCGCTCCGCCCGGGCGCCCCGCTGCTGCCCCCGCTGCTGCTGCTGCTGCTGTGGGCGC[C>T]GCCTCCGAGCCGCGCAGGTAAGGGCGCCCCGGGGCGCGGGGCTGCGGGATGGGGCGCGCG-3'
Protein context (NP_000084.3, residues 21-41): PPLLLLLLWA[Pro31Leu]PPSRAAQPAD

ClinVar aggregate classification (germline): Uncertain significance (1 of 4 stars; one submission).

Conditions:
Familial thoracic aortic aneurysm and aortic dissection (TAAD). Also called: Thoracic aortic aneurysms and dissections. Identifiers: Orphanet 91387, MedGen C4707243, MONDO:0019625.

Submission:

Ambry Genetics
Classification: Uncertain significance for Familial thoracic aortic aneurysm and aortic dissection. Last evaluated: 2026-09-13. Review status: criteria provided, single submitter. Criteria: Ambry Variant Classification Scheme 2023. Collection method: clinical testing. Allele origin: germline.
Comment: The p.P31L variant (also known as c.92C>T), located in coding exon 1 of the COL5A1 gene, results from a C to T substitution at nucleotide position 92. The proline at codon 31 is replaced by leucine, an amino acid with similar properties. This amino acid position is conserved. In addition, this alteration is predicted to be tolerated by in silico analysis. Based on the available evidence, the clinical significance of this variant remains unclear.